The following is an entry in ClinVar:

ClinVar aggregate classification (germline): Likely benign. Review status: criteria provided, multiple submitters, no conflicts (2 of 4 stars). 2 submissions from 2 submitters: Likely benign (2). Last evaluated 2022-04-09.

Allele frequency attached by ClinVar (database versions not stated): ExAC 0.00001; gnomAD 0.00001; gnomAD exomes 0.00001.
gnomAD v4.1: 10 of 1,601,008 alleles (0.00062%); highest among the groups gnomAD compares: Middle Eastern, 0.017%; no homozygotes.

Submissions (2):

Labcorp Genetics (formerly Invitae), Labcorp
Classification: Likely benign. Last evaluated: 2022-04-09. Review status: criteria provided, single submitter. Criteria: Invitae Variant Classification Sherloc (09022015). Collection method: clinical testing. Allele origin: germline.

GeneDx
Classification: Likely benign. Last evaluated: 2018-01-12. Review status: criteria provided, single submitter. Criteria: GeneDx Variant Classification (06012015). Collection method: clinical testing. Allele origin: germline. Affected: yes.
Comment: This variant is considered likely benign or benign based on one or more of the following criteria: it is a conservative change, it occurs at a poorly conserved position in the protein, it is predicted to be benign by multiple in silico algorithms, and/or has population frequency not consistent with disease.

NM_018838.5(NDUFA12):c.169+11T>C

Gene: NDUFA12 (NADH:ubiquinone oxidoreductase subunit A12; minus strand). Cytogenetic location: 12q22.
Variant type: single nucleotide variant.
Coding change: c.169+11T>C on transcript NM_018838.5 (MANE Select); 11 bases into the intron after coding-DNA position 169, T replaced by C.
Molecular consequence: intron variant.
Genome position (GRCh38, 1-based): chr12:95,002,728, A>G on the plus strand (T>C on the coding strand, the complement: NDUFA12 is on the minus strand). VCF-style: chr12-95002728-A-G. GRCh37 (hg19) VCF-style: chr12-95396504-A-G.
Other names: c.169+11T>C (NM_001258338.2).
Identifiers: ClinVar variation 514391 (VCV000514391.5), dbSNP rs772993752, ClinGen allele CA6722608.